The following is an entry in ClinVar:

ClinVar aggregate classification (germline): Uncertain significance (1 of 4 stars; one submission).

Conditions:
Hereditary cancer-predisposing syndrome. Also called: Neoplastic Syndromes, Hereditary; Tumor predisposition; Hereditary neoplastic syndrome; Hereditary Cancer Syndrome. Identifiers: Orphanet 140162, MedGen C0027672, MeSH D009386, MONDO:0015356.

Submission:

Ambry Genetics
Classification: Uncertain significance for Hereditary cancer-predisposing syndrome. Last evaluated: 2023-11-15. Review status: criteria provided, single submitter. Criteria: Ambry Variant Classification Scheme 2023. Collection method: clinical testing. Allele origin: germline.
Comment: The p.E352G variant (also known as c.1055A>G), located in coding exon 11 of the RB1 gene, results from an A to G substitution at nucleotide position 1055. The glutamic acid at codon 352 is replaced by glycine, an amino acid with similar properties. This amino acid position is conserved. In addition, the in silico prediction for this alteration is inconclusive. Since supporting evidence is limited at this time, the clinical significance of this alteration remains unclear.

NM_000321.3(RB1):c.1055A>G (p.Glu352Gly)

Gene: RB1 (RB transcriptional corepressor 1; plus strand). Cytogenetic location: 13q14.2.
Variant type: single nucleotide variant.
Coding change: c.1055A>G on transcript NM_000321.3 (MANE Select); coding-DNA position 1055, A replaced by G.
Protein change: p.Glu352Gly; replaces glutamic acid 352 with glycine.
Molecular consequence: missense variant.
Genome position (GRCh38, 1-based): chr13:48,368,532, A>G. VCF-style: chr13-48368532-A-G. GRCh37 (hg19) VCF-style: chr13-48942668-A-G.
Other names: c.1055A>G, p.Glu352Gly (NM_001407165.1, NM_001407166.1); short protein forms E352G.
Identifiers: ClinVar variation 3231178 (VCV003231178.1), dbSNP rs2138123125, ClinGen allele CA388161078.